The following is an entry in ClinVar:

NM_015338.6(ASXL1):c.1544T>C (p.Val515Ala)

Gene: ASXL1 (ASXL transcriptional regulator 1; plus strand). Cytogenetic location: 20q11.21.
Variant type: single nucleotide variant.
Coding change: c.1544T>C on transcript NM_015338.6 (MANE Select); coding-DNA position 1544, T replaced by C.
Protein change: p.Val515Ala; replaces valine 515 with alanine.
Molecular consequence: missense variant.
Genome position (GRCh38, 1-based): chr20:32,433,742, T>C. VCF-style: chr20-32433742-T-C. GRCh37 (hg19) VCF-style: chr20-31021545-T-C.
Other names: c.1361T>C, p.Val454Ala (NM_001363734.1); short protein forms V454A, V515A.
Identifiers: ClinVar variation 3957313 (VCV003957313.1).

ClinVar aggregate classification (germline): Uncertain significance (1 of 4 stars; one submission).

Conditions:
Inborn genetic diseases. Identifiers: MedGen C0950123, MeSH D030342.

Submission:

Ambry Genetics
Classification: Uncertain significance for Inborn genetic diseases. Last evaluated: 2025-05-27. Review status: criteria provided, single submitter. Criteria: Ambry Variant Classification Scheme 2023. Collection method: clinical testing. Allele origin: germline.
Comment: The p.V515A variant (also known as c.1544T>C), located in coding exon 12 of the ASXL1 gene, results from a T to C substitution at nucleotide position 1544. The valine at codon 515 is replaced by alanine, an amino acid with similar properties. This amino acid position is conserved. In addition, this alteration is predicted to be tolerated by in silico analysis. Based on the available evidence, the clinical significance of this variant remains unclear.